The following is an entry in ClinVar:

NM_138576.4(BCL11B):c.1313T>A (p.Phe438Tyr)

Gene: BCL11B (BCL11 transcription factor B; minus strand). Cytogenetic location: 14q32.2.
Variant type: single nucleotide variant.
Coding change: c.1313T>A on transcript NM_138576.4 (MANE Select); coding-DNA position 1313, T replaced by A.
Protein change: p.Phe438Tyr; replaces phenylalanine 438 with tyrosine.
Molecular consequence: missense variant.
Genome position (GRCh38, 1-based): chr14:99,175,523, A>T on the plus strand (T>A on the coding strand, the complement: BCL11B is on the minus strand). VCF-style: chr14-99175523-A-T. GRCh37 (hg19) VCF-style: chr14-99641860-A-T.
Other names: c.1310T>A, p.Phe437Tyr (NM_001282237.2); c.1097T>A, p.Phe366Tyr (NM_001282238.2); c.1100T>A, p.Phe367Tyr (NM_022898.3); short protein forms F367Y, F437Y, F438Y, F366Y.
Identifiers: ClinVar variation 2701052 (VCV002701052.1), dbSNP rs2503647145, ClinGen allele CA390935665.
Genomic context (GRCh38, chr14:99,175,523, plus strand): 5'-TGGCACTTGTAGGGCTTCTCGCCCGTGTGACTGCGCCGGTGCACGATGAGATTGCTCTGG[A>T]ACTTGAAGGTCTTGCCGCAGAACTCGCACGACTTGCTCTTGGCTGGCGGCTGCGGGGGCG-3'
Protein context (NP_612808.1, residues 428-448): SCEFCGKTFK[Phe438Tyr]QSNLIVHRRS

ClinVar aggregate classification (germline): Uncertain significance (1 of 4 stars; one submission).

Submission:

Labcorp Genetics (formerly Invitae), Labcorp
Classification: Uncertain significance. Last evaluated: 2023-06-17. Review status: criteria provided, single submitter. Criteria: Invitae Variant Classification Sherloc (09022015). Collection method: clinical testing. Allele origin: germline.
Comment: In summary, the available evidence is currently insufficient to determine the role of this variant in disease. Therefore, it has been classified as a Variant of Uncertain Significance. Advanced modeling of protein sequence and biophysical properties (such as structural, functional, and spatial information, amino acid conservation, physicochemical variation, residue mobility, and thermodynamic stability) performed at Invitae indicates that this missense variant is expected to disrupt BCL11B protein function. This variant has not been reported in the literature in individuals affected with BCL11B-related conditions. This variant is not present in population databases (gnomAD no frequency). This sequence change replaces phenylalanine, which is neutral and non-polar, with tyrosine, which is neutral and polar, at codon 438 of the BCL11B protein (p.Phe438Tyr).